The following is an entry in ClinVar:

NM_000384.3(APOB):c.9197G>A (p.Gly3066Glu)

Gene: APOB (apolipoprotein B; minus strand). Cytogenetic location: 2p24.1.
Variant type: single nucleotide variant.
Coding change: c.9197G>A on transcript NM_000384.3 (MANE Select); coding-DNA position 9197, G replaced by A.
Protein change: p.Gly3066Glu; replaces glycine 3066 with glutamic acid.
Molecular consequence: missense variant.
Genome position (GRCh38, 1-based): chr2:21,007,671, C>T on the plus strand (G>A on the coding strand, the complement: APOB is on the minus strand). VCF-style: chr2-21007671-C-T. GRCh37 (hg19) VCF-style: chr2-21230543-C-T.
Other names: short protein forms G3066E.
Identifiers: ClinVar variation 1948913 (VCV001948913.2), dbSNP rs2465363839, ClinGen allele CA345990839.

ClinVar aggregate classification (germline): Uncertain significance (1 of 4 stars; one submission).

Conditions:
Familial hypobetalipoproteinemia 1. Also called: Hypobetalipoproteinemia, normotriglyceridemic; Acanthocytosis with hypobetalipoproteinemia; APOB-Related Familial Hypobetalipoproteinemia. Identifiers: MedGen C4551990, MONDO:0014252, OMIM 615558.
Hypercholesterolemia, autosomal dominant, type B (FHCL2). Also called: APOB-Related Familial Hypercholesterolemia, Autosomal Dominant; Familial Hypercholesterolemia Type B; APOLIPOPROTEIN B-100, FAMILIAL DEFECTIVE; APOLIPOPROTEIN B-100, FAMILIAL LIGAND-DEFECTIVE; HYPERCHOLESTEROLEMIA, FAMILIAL, DUE TO LIGAND-DEFECTIVE APOLIPOPROTEIN B; Familial hypercholesterolemia 2. Identifiers: MedGen C1704417, MONDO:0007751, OMIM 144010.

Submission:

Labcorp Genetics (formerly Invitae), Labcorp
Classification: Uncertain significance for Familial hypobetalipoproteinemia 1; Hypercholesterolemia, autosomal dominant, type B. Last evaluated: 2021-09-14. Review status: criteria provided, single submitter. Criteria: Invitae Variant Classification Sherloc (09022015). Collection method: clinical testing. Allele origin: germline.
Comment: This sequence change replaces glycine with glutamic acid at codon 3066 of the APOB protein (p.Gly3066Glu). The glycine residue is highly conserved and there is a moderate physicochemical difference between glycine and glutamic acid. This variant is not present in population databases (ExAC no frequency). This missense change has been observed in individual(s) with clinical features of APOB-related conditions (Invitae). Algorithms developed to predict the effect of missense changes on protein structure and function are either unavailable or do not agree on the potential impact of this missense change (SIFT: "Deleterious"; PolyPhen-2: "Probably Damaging"; Align-GVGD: "Class C0"). In summary, the available evidence is currently insufficient to determine the role of this variant in disease. Therefore, it has been classified as a Variant of Uncertain Significance.